The following is an entry in ClinVar:

NM_000316.3(PTH1R):c.1156G>A (p.Ala386Thr)

Gene: PTH1R (parathyroid hormone 1 receptor; plus strand). Cytogenetic location: 3p21.31.
Variant type: single nucleotide variant.
Coding change: c.1156G>A on transcript NM_000316.3 (MANE Select); coding-DNA position 1156, G replaced by A.
Protein change: p.Ala386Thr; replaces alanine 386 with threonine.
Molecular consequence: missense variant.
Genome position (GRCh38, 1-based): chr3:46,901,805, G>A. VCF-style: chr3-46901805-G-A. GRCh37 (hg19) VCF-style: chr3-46943295-G-A.
Other names: c.1156G>A, p.Ala386Thr (NM_001184744.1); short protein forms A386T.
Identifiers: ClinVar variation 4754752 (VCV004754752.1).

ClinVar aggregate classification (germline): Uncertain significance (1 of 4 stars; one submission).

gnomAD v4.1: 31 of 1,614,042 alleles (0.0019%); highest among the groups gnomAD compares: Middle Eastern, 0.016%; no homozygotes.

Submission:

Labcorp Genetics (formerly Invitae), Labcorp
Classification: Uncertain significance. Last evaluated: 2025-11-03. Review status: criteria provided, single submitter. Criteria: Invitae Variant Classification Sherloc (09022015). Collection method: clinical testing. Allele origin: germline.
Comment: This sequence change replaces alanine, which is neutral and non-polar, with threonine, which is neutral and polar, at codon 386 of the PTH1R protein (p.Ala386Thr). This variant is present in population databases (rs371572128, gnomAD 0.003%). This variant has not been reported in the literature in individuals affected with PTH1R-related conditions. Invitae Evidence Modeling of protein sequence and biophysical properties (such as structural, functional, and spatial information, amino acid conservation, physicochemical variation, residue mobility, and thermodynamic stability) indicates that this missense variant is expected to disrupt PTH1R protein function with a positive predictive value of 80%. In summary, the available evidence is currently insufficient to determine the role of this variant in disease. Therefore, it has been classified as a Variant of Uncertain Significance.